The following is an entry in ClinVar:

NM_004995.4(MMP14):c.1600G>A (p.Gly534Ser)

Gene: MMP14 (matrix metallopeptidase 14; plus strand). Cytogenetic location: 14q11.2.
Variant type: single nucleotide variant.
Coding change: c.1600G>A on transcript NM_004995.4 (MANE Select); coding-DNA position 1600, G replaced by A.
Protein change: p.Gly534Ser; replaces glycine 534 with serine.
Molecular consequence: missense variant.
Genome position (GRCh38, 1-based): chr14:22,845,890, G>A. VCF-style: chr14-22845890-G-A. GRCh37 (hg19) VCF-style: chr14-23315099-G-A.
Other names: short protein forms G534S.
Identifiers: ClinVar variation 2892778 (VCV002892778.3), dbSNP rs757515188, ClinGen allele CA7105522.

ClinVar aggregate classification (germline): Uncertain significance (1 of 4 stars; one submission).

Allele frequency attached by ClinVar (database versions not stated): ExAC 0.00001; gnomAD 0.00001; gnomAD exomes 0.00001.
gnomAD v4.1: 10 of 1,613,334 alleles (0.00062%); highest among the groups gnomAD compares: South Asian, 0.0033%; no homozygotes.

Submission:

Labcorp Genetics (formerly Invitae), Labcorp
Classification: Uncertain significance. Last evaluated: 2023-09-29. Review status: criteria provided, single submitter. Criteria: Invitae Variant Classification Sherloc (09022015). Collection method: clinical testing. Allele origin: germline.
Comment: In summary, the available evidence is currently insufficient to determine the role of this variant in disease. Therefore, it has been classified as a Variant of Uncertain Significance. Algorithms developed to predict the effect of missense changes on protein structure and function output the following: SIFT: "Not Available"; PolyPhen-2: "Benign"; Align-GVGD: "Not Available". The serine amino acid residue is found in multiple mammalian species, which suggests that this missense change does not adversely affect protein function. This variant has not been reported in the literature in individuals affected with MMP14-related conditions. This variant is present in population databases (rs757515188, gnomAD 0.01%). This sequence change replaces glycine, which is neutral and non-polar, with serine, which is neutral and polar, at codon 534 of the MMP14 protein (p.Gly534Ser).